The following is an entry in ClinVar:

NM_005869.4(CWC27):c.1156dup (p.Leu386fs)

Gene: CWC27 (CWC27 spliceosome associated cyclophilin; plus strand). Cytogenetic location: 5q12.3.
Variant type: Duplication.
Coding change: c.1156dup on transcript NM_005869.4 (MANE Select); coding-DNA position 1156, one base duplicated (C; older notation c.1156dupC).
Protein change: p.Leu386fs; shifts the reading frame from leucine 386.
Molecular consequence: frameshift variant. On other transcripts: intron variant (1).
Genome position (GRCh38, 1-based): chr5:64,977,138, C duplicated; the last of 3 consecutive C bases (chr5:64,977,136-64,977,138); duplicating any one gives the same sequence. VCF-style (leftmost placement, unchanged base first): chr5-64977135-A-AC. GRCh37 (hg19) VCF-style: chr5-64272962-A-AC.
Other names: c.1152+5326dup (NM_001297644.1); c.1156dupC (NM_005869.3); short protein forms L386fs.
Identifiers: ClinVar variation 850590 (VCV000850590.12), dbSNP rs1372091680, ClinGen allele CA916082715.

ClinVar aggregate classification (germline): Pathogenic/Likely pathogenic. Review status: criteria provided, multiple submitters, no conflicts (2 of 4 stars). 4 submissions from 4 submitters: Pathogenic (3); Likely pathogenic (1). Last evaluated 2026-09-17.

Conditions:
CWC27-related disorder. Also called: CWC27-related condition.

Allele frequency attached by ClinVar (database versions not stated): gnomAD exomes below 0.00001; gnomAD 0.00002; TOPMed 0.00002.

Submissions (4):

PreventionGenetics, part of Exact Sciences
Classification: Likely pathogenic for CWC27-related condition. Last evaluated: 2026-09-17. Review status: criteria provided, single submitter. Criteria: ACMG Guidelines, 2015. Collection method: clinical testing. Allele origin: germline.
Comment: The CWC27 c.1156dupC variant is predicted to result in a frameshift and premature protein termination (p.Leu386Profs*8). To our knowledge this variant has not been reported in the literature. This variant is absent in a large population database (gnomAD), indicating this variant is rare. Frameshift variants in CWC27 are an established mechanism of disease. This variant is interpreted as likely pathogenic.

Labcorp Genetics (formerly Invitae), Labcorp
Classification: Pathogenic. Last evaluated: 2026-01-30. Review status: criteria provided, single submitter. Criteria: Invitae Variant Classification Sherloc (09022015). Collection method: clinical testing. Allele origin: germline.
Comment: This sequence change creates a premature translational stop signal (p.Leu386Profs*8) in the CWC27 gene. It is expected to result in an absent or disrupted protein product. Loss-of-function variants in CWC27 are known to be pathogenic (PMID: 28285769). This variant is not present in population databases (gnomAD no frequency). This variant has not been reported in the literature in individuals affected with CWC27-related conditions. ClinVar contains an entry for this variant (Variation ID: 850590). For these reasons, this variant has been classified as Pathogenic.

GeneDx
Classification: Pathogenic. Last evaluated: 2025-02-13. Review status: criteria provided, single submitter. Criteria: GeneDx Variant Classification Process June 2021. Collection method: clinical testing. Allele origin: germline. Affected: yes.
Comment: Frameshift variant predicted to result in protein truncation or nonsense mediated decay in a gene for which loss of function is a known mechanism of disease; Not observed at significant frequency in large population cohorts (gnomAD); Has not been previously published as pathogenic or benign to our knowledge

Blueprint Genetics
Classification: Pathogenic for CWC27-related disorders. Last evaluated: 2022-05-03. Review status: criteria provided, single submitter. Criteria: ACMG Guidelines, 2015. Collection method: clinical testing. Allele origin: germline. Affected: yes. Observed: 5 variant alleles.

Literature cited by the submitters: PubMed 28285769 (cited by Labcorp Genetics (formerly Invitae), Labcorp).